The following is an entry in ClinVar:

ClinVar aggregate classification (germline): Uncertain significance (1 of 4 stars; one submission).

Submission:

Dasa
Classification: Uncertain significance. Last evaluated: 2025-08-07. Review status: criteria provided, single submitter. Criteria: DASA Assertion Criteria. Collection method: clinical testing. Allele origin: germline.
Comment: NM_019042.5(PUS7):c.1121A>G (p.Tyr374Cys) is a missense variant that results in the substitution of tyrosine with cysteine. This variant is absent from population databases. Computational prediction algorithms are consistent with a deleterious effect. The currently available literature and clinical evidence are not sufficient to establish a definitive association between this variant and the reported condition. Therefore, this variant is classified as a variant of uncertain significance.

NM_019042.5(PUS7):c.1121A>G (p.Tyr374Cys)

Gene: PUS7 (pseudouridine synthase 7; minus strand). Cytogenetic location: 7q22.3.
Variant type: single nucleotide variant.
Coding change: c.1121A>G on transcript NM_019042.5 (MANE Select); coding-DNA position 1121, A replaced by G.
Protein change: p.Tyr374Cys; replaces tyrosine 374 with cysteine.
Molecular consequence: missense variant.
Genome position (GRCh38, 1-based): chr7:105,481,106, T>C on the plus strand (A>G on the coding strand, the complement: PUS7 is on the minus strand). VCF-style: chr7-105481106-T-C. GRCh37 (hg19) VCF-style: chr7-105121553-T-C.
Other names: c.1139A>G, p.Tyr380Cys (NM_001318163.1); c.1121A>G, p.Tyr374Cys (NM_001318164.2); short protein forms Y374C, Y380C.
Identifiers: ClinVar variation 4884998 (VCV004884998.2).